The following is an entry in ClinVar:

ClinVar aggregate classification (germline): Pathogenic. Review status: criteria provided, multiple submitters, no conflicts (2 of 4 stars). 2 submissions from 2 submitters: Pathogenic (2). Last evaluated 2021-09-17.

Allele frequency attached by ClinVar (database versions not stated): gnomAD exomes below 0.00001.
gnomAD v4.1: 1 of 1,614,170 alleles (0.000062%); highest among the groups gnomAD compares: Admixed American, 0.0017%; no homozygotes.

Submissions (2):

Labcorp Genetics (formerly Invitae), Labcorp
Classification: Pathogenic. Last evaluated: 2021-09-17. Review status: criteria provided, single submitter. Criteria: Invitae Variant Classification Sherloc (09022015). Collection method: clinical testing. Allele origin: germline.
Comment: For these reasons, this variant has been classified as Pathogenic. ClinVar contains an entry for this variant (Variation ID: 288775). This variant has not been reported in the literature in individuals affected with PCARE-related conditions. This variant is not present in population databases (ExAC no frequency). This sequence change creates a premature translational stop signal (p.Gln610*) in the PCARE gene. It is expected to result in an absent or disrupted protein product. Loss-of-function variants in PCARE are known to be pathogenic (PMID: 20398886, 24339724, 26496393).

Eurofins Ntd Llc (ga)
Classification: Pathogenic. Last evaluated: 2016-07-12. Review status: criteria provided, single submitter. Criteria: EGL Classification Definitions 2015. Collection method: clinical testing. Allele origin: germline. Observed: 1 variant allele, 1 heterozygote.

Literature cited by the submitters: PubMed 20398886 (cited by Labcorp Genetics (formerly Invitae), Labcorp); PubMed 24339724 (cited by Labcorp Genetics (formerly Invitae), Labcorp); PubMed 26496393 (cited by Labcorp Genetics (formerly Invitae), Labcorp).

NM_001029883.3(PCARE):c.1828C>T (p.Gln610Ter)

Gene: PCARE (photoreceptor cilium actin regulator; minus strand). Cytogenetic location: 2p23.2.
Variant type: single nucleotide variant.
Coding change: c.1828C>T on transcript NM_001029883.3 (MANE Select); coding-DNA position 1828, C replaced by T.
Protein change: p.Gln610Ter; replaces glutamine 610 with a stop codon.
Molecular consequence: nonsense.
Genome position (GRCh38, 1-based): chr2:29,072,434, G>A on the plus strand (C>T on the coding strand, the complement: PCARE is on the minus strand). VCF-style: chr2-29072434-G-A. GRCh37 (hg19) VCF-style: chr2-29295300-G-A.
Other names: short protein forms Q610*.
Identifiers: ClinVar variation 288775 (VCV000288775.10), dbSNP rs886044003, ClinGen allele CA10606216.